The following is an entry in ClinVar:

NM_030777.4(SLC2A10):c.1057C>G (p.Leu353Val)

Gene: SLC2A10 (solute carrier family 2 member 10; plus strand). Cytogenetic location: 20q13.12.
Variant type: single nucleotide variant.
Coding change: c.1057C>G on transcript NM_030777.4 (MANE Select); coding-DNA position 1057, C replaced by G.
Protein change: p.Leu353Val; replaces leucine 353 with valine.
Molecular consequence: missense variant.
Genome position (GRCh38, 1-based): chr20:46,726,093, C>G. VCF-style: chr20-46726093-C-G. GRCh37 (hg19) VCF-style: chr20-45354732-C-G.
Other names: p.L353V:CTA>GTA; p.Leu353Val; short protein forms L353V.
Identifiers: ClinVar variation 213722 (VCV000213722.33), dbSNP rs200196034, ClinGen allele CA325128.

ClinVar aggregate classification (germline): Conflicting classifications of pathogenicity. Review status: criteria provided, conflicting classifications (1 of 4 stars). 7 submissions from 7 submitters: Uncertain significance (6); Likely benign (1). Last evaluated 2025-12-23.

Conditions:
Familial thoracic aortic aneurysm and aortic dissection (TAAD). Also called: Thoracic aortic aneurysms and dissections. Identifiers: Orphanet 91387, MedGen C4707243, MONDO:0019625.
Arterial tortuosity syndrome (ATORS). Identifiers: Orphanet 3342, MedGen C1859726, MONDO:0008818, OMIM 208050.

Allele frequency attached by ClinVar (database versions not stated): TOPMed 0.00002; 1000 Genomes Project 0.00020; 1000 Genomes Project 30x 0.00031.
gnomAD v4.1: 80 of 1,614,260 alleles (0.005%); highest among the groups gnomAD compares: Non-Finnish European, 0.0065%; no homozygotes.

Submissions (7):

Labcorp Genetics (formerly Invitae), Labcorp
Classification: Likely benign for Arterial tortuosity syndrome. Last evaluated: 2025-12-23. Review status: criteria provided, single submitter. Criteria: Invitae Variant Classification Sherloc (09022015). Collection method: clinical testing. Allele origin: germline.

Mayo Clinic Laboratories, Mayo Clinic
Classification: Uncertain significance. Last evaluated: 2025-06-22. Review status: criteria provided, single submitter. Criteria: ACMG Guidelines, 2015. Collection method: clinical testing. Allele origin: germline. Observed: 1 variant allele.
Comment: BP4_moderate

ARUP Laboratories, Molecular Genetics and Genomics, ARUP Laboratories
Classification: Uncertain significance for Arterial tortuosity syndrome. Last evaluated: 2025-03-14. Review status: criteria provided, single submitter. Criteria: ARUP Molecular Germline Variant Investigation Process 2024. Collection method: clinical testing. Allele origin: germline.
Comment: The SLC2A10 c.1057C>G; p.Leu353Val variant (rs200196034), to our knowledge, is not reported in the medical literature but is reported in ClinVar (Variation ID: 213722). This variant is found in the non-Finnish European population with an allele frequency of 0.0097% (11/113,626 alleles) in the Genome Aggregation Database. Computational analyses predict that this variant is neutral (REVEL: 0.141). However, given the lack of clinical and functional data, the significance of this variant is uncertain at this time.

CeGaT Center for Human Genetics Tuebingen
Classification: Uncertain significance. Last evaluated: 2024-08-01. Review status: criteria provided, single submitter. Criteria: CeGaT Center For Human Genetics Tuebingen Variant Classification Criteria Version 2. Collection method: clinical testing. Allele origin: germline. Affected: yes. Observed: 1 variant allele.
Comment: SLC2A10: PM2, BP4

Ambry Genetics
Classification: Uncertain significance for Familial thoracic aortic aneurysm and aortic dissection. Last evaluated: 2024-02-01. Review status: criteria provided, single submitter. Criteria: Ambry Variant Classification Scheme 2023. Collection method: clinical testing. Allele origin: germline.
Comment: The p.L353V variant (also known as c.1057C>G), located in coding exon 2 of the SLC2A10 gene, results from a C to G substitution at nucleotide position 1057. The leucine at codon 353 is replaced by valine, an amino acid with highly similar properties. This amino acid position is poorly conserved in available vertebrate species. In addition, this alteration is predicted to be tolerated by in silico analysis. Since supporting evidence is limited at this time, the clinical significance of this alteration remains unclear.

GeneDx
Classification: Uncertain significance. Last evaluated: 2021-01-06. Review status: criteria provided, single submitter. Criteria: GeneDx Variant Classification Process June 2021. Collection method: clinical testing. Allele origin: germline. Affected: yes.
Comment: Not observed at a significant frequency in large population cohorts (Lek et al., 2016); In silico analysis supports that this missense variant does not alter protein structure/function; Has not been previously published as pathogenic or benign to our knowledge

Illumina Laboratory Services, Illumina
Classification: Uncertain significance for Arterial tortuosity syndrome. Last evaluated: 2018-01-12. Review status: criteria provided, single submitter. Criteria: ICSL Variant Classification Criteria 13 December 2019. Collection method: clinical testing. Allele origin: germline.